The following is an entry in ClinVar:

NM_000138.5(FBN1):c.3052G>T (p.Glu1018Ter)

Gene: FBN1 (fibrillin 1; minus strand). Cytogenetic location: 15q21.1.
Variant type: single nucleotide variant.
Coding change: c.3052G>T on transcript NM_000138.5 (MANE Select); coding-DNA position 3052, G replaced by T.
Protein change: p.Glu1018Ter; replaces glutamic acid 1018 with a stop codon.
Molecular consequence: nonsense.
Genome position (GRCh38, 1-based): chr15:48,489,881, C>A on the plus strand (G>T on the coding strand, the complement: FBN1 is on the minus strand). VCF-style: chr15-48489881-C-A. GRCh37 (hg19) VCF-style: chr15-48782078-C-A.
Other names: short protein forms E1018*.
Identifiers: ClinVar variation 656145 (VCV000656145.8), dbSNP rs1597565298, ClinGen allele CA392328939.

ClinVar aggregate classification (germline): Pathogenic (1 of 4 stars; one submission).

Conditions:
Familial thoracic aortic aneurysm and aortic dissection (TAAD). Also called: Thoracic aortic aneurysms and dissections. Identifiers: Orphanet 91387, MedGen C4707243, MONDO:0019625.
Marfan syndrome (MFS). Also called: FBN1-Related Marfan Syndrome; Marfan syndrome type 1; Marfan's syndrome; Marfan syndrome, classic; MARFAN SYNDROME, TYPE I. Identifiers: Orphanet 284963, Orphanet 558, MedGen C0024796, MONDO:0007947, OMIM 154700.

Submission:

Labcorp Genetics (formerly Invitae), Labcorp
Classification: Pathogenic for Marfan syndrome; Familial thoracic aortic aneurysm and aortic dissection. Last evaluated: 2024-03-01. Review status: criteria provided, single submitter. Criteria: Invitae Variant Classification Sherloc (09022015). Collection method: clinical testing. Allele origin: germline.
Comment: This sequence change creates a premature translational stop signal (p.Glu1018*) in the FBN1 gene. It is expected to result in an absent or disrupted protein product. Loss-of-function variants in FBN1 are known to be pathogenic (PMID: 17657824, 19293843). This variant is not present in population databases (gnomAD no frequency). This premature translational stop signal has been observed in individual(s) with clinical features of Marfan syndrome (Invitae). ClinVar contains an entry for this variant (Variation ID: 656145). For these reasons, this variant has been classified as Pathogenic.

Literature cited by the submitters: PubMed 17657824; PubMed 19293843.